The following is an entry in ClinVar:

NM_001283009.2(RTEL1):c.290G>C (p.Gly97Ala)

Genes: RTEL1-TNFRSF6B (RTEL1-TNFRSF6B readthrough (NMD candidate); plus strand), RTEL1 (regulator of telomere elongation helicase 1; plus strand). Cytogenetic location: 20q13.33.
Variant type: single nucleotide variant.
Coding change: c.290G>C on transcript NM_001283009.2 (MANE Select); coding-DNA position 290, G replaced by C.
Protein change: p.Gly97Ala; replaces glycine 97 with alanine.
Molecular consequence: missense variant. On other transcripts: non-coding transcript variant (1), 5 prime UTR variant (1).
Genome position (GRCh38, 1-based): chr20:63,661,485, G>C. VCF-style: chr20-63661485-G-C. GRCh37 (hg19) VCF-style: chr20-62292838-G-C.
Other names: c.-380G>C (NM_001283010.1); c.290G>C, p.Gly97Ala (NM_016434.4, NM_032957.5); short protein forms G97A.
Identifiers: ClinVar variation 4827704 (VCV004827704.1).

ClinVar aggregate classification (germline): Uncertain significance (1 of 4 stars; one submission).

Conditions:
Inborn genetic diseases. Identifiers: MedGen C0950123, MeSH D030342.

Submission:

Ambry Genetics
Classification: Uncertain significance for Inborn genetic diseases. Last evaluated: 2026-02-24. Review status: criteria provided, single submitter. Criteria: Ambry Variant Classification Scheme 2023. Collection method: clinical testing. Allele origin: germline.
Comment: The p.G97A variant (also known as c.290G>C), located in coding exon 2 of the RTEL1 gene, results from a G to C substitution at nucleotide position 290. The glycine at codon 97 is replaced by alanine, an amino acid with similar properties. This amino acid position is conserved. In addition, this alteration is predicted to be tolerated by in silico analysis. Based on the available evidence, the clinical significance of this variant remains unclear.